The following is an entry in ClinVar:

NM_006031.6(PCNT):c.4962+1G>T

Gene: PCNT (pericentrin; plus strand). Cytogenetic location: 21q22.3.
Variant type: single nucleotide variant.
Coding change: c.4962+1G>T on transcript NM_006031.6 (MANE Select); the canonical splice donor site of the intron after coding-DNA position 4962, G replaced by T.
Molecular consequence: splice donor variant.
Genome position (GRCh38, 1-based): chr21:46,401,722, G>T. VCF-style: chr21-46401722-G-T. GRCh37 (hg19) VCF-style: chr21-47821636-G-T.
Other names: c.4608+1G>T (NM_001315529.2).
Identifiers: ClinVar variation 5002205 (VCV005002205.1).

ClinVar aggregate classification (germline): Likely pathogenic (1 of 4 stars; one submission).

Conditions:
PCNT-related disorder. Also called: PCNT-related condition.

gnomAD v4.1: 1 of 1,614,050 alleles (0.000062%); highest among the groups gnomAD compares: Admixed American, 0.0017%; no homozygotes.

Submission:

PreventionGenetics, part of Exact Sciences
Classification: Likely pathogenic for PCNT-related condition. Last evaluated: 2025-06-17. Review status: criteria provided, single submitter. Criteria: ACMG Guidelines, 2015. Collection method: clinical testing. Allele origin: germline.
Comment: The PCNT c.4962+1G>T variant is predicted to disrupt the GT donor site and interfere with normal splicing. To our knowledge, this variant has not been reported in the literature. This variant is reported in 0.0029% of alleles in individuals of Latino descent in gnomAD. Variants that disrupt the consensus splice donor site in PCNT are expected to be pathogenic. This variant is interpreted as likely pathogenic.